The following is an entry in ClinVar:

NM_001371986.1(UNC80):c.92+5G>T

Gene: UNC80 (unc-80 subunit of NALCN channel complex; plus strand). Cytogenetic location: 2q34.
Variant type: single nucleotide variant.
Coding change: c.92+5G>T on transcript NM_001371986.1 (MANE Select); 5 bases into the intron after coding-DNA position 92, G replaced by T.
Molecular consequence: intron variant.
Genome position (GRCh38, 1-based): chr2:209,772,169, G>T. VCF-style: chr2-209772169-G-T. GRCh37 (hg19) VCF-style: chr2-210636893-G-T.
Other names: c.92+5G>T (NM_032504.2, NM_182587.4).
Identifiers: ClinVar variation 2134578 (VCV002134578.4), dbSNP rs2470886765, ClinGen allele CA2580065487.

ClinVar aggregate classification (germline): Uncertain significance (1 of 4 stars; one submission).

Submission:

Labcorp Genetics (formerly Invitae), Labcorp
Classification: Uncertain significance. Last evaluated: 2022-05-06. Review status: criteria provided, single submitter. Criteria: Invitae Variant Classification Sherloc (09022015). Collection method: clinical testing. Allele origin: germline.
Comment: In summary, the available evidence is currently insufficient to determine the role of this variant in disease. Therefore, it has been classified as a Variant of Uncertain Significance. This sequence change falls in intron 1 of the UNC80 gene. It does not directly change the encoded amino acid sequence of the UNC80 protein. It affects a nucleotide within the consensus splice site. This variant is not present in population databases (gnomAD no frequency). This variant has not been reported in the literature in individuals affected with UNC80-related conditions. Variants that disrupt the consensus splice site are a relatively common cause of aberrant splicing (PMID: 17576681, 9536098). Algorithms developed to predict the effect of sequence changes on RNA splicing suggest that this variant is not likely to affect RNA splicing.

Literature cited by the submitters: PubMed 17576681; PubMed 9536098.